The following is an entry in ClinVar:

ClinVar aggregate classification (germline): Uncertain significance (1 of 4 stars; one submission).

Conditions:
Myoclonic dystonia 26. Identifiers: MedGen C4225341, MONDO:0014620, OMIM 616398.

Allele frequency attached by ClinVar (database versions not stated): TOPMed 0.00001; 1000 Genomes Project 30x 0.00016.
gnomAD v4.1: 24 of 1,600,666 alleles (0.0015%); highest among the groups gnomAD compares: South Asian, 0.0088%; no homozygotes.

Submission:

Labcorp Genetics (formerly Invitae), Labcorp
Classification: Uncertain significance for Myoclonic dystonia 26. Last evaluated: 2024-05-01. Review status: criteria provided, single submitter. Criteria: Invitae Variant Classification Sherloc (09022015). Collection method: clinical testing. Allele origin: germline.
Comment: This sequence change replaces arginine, which is basic and polar, with glutamine, which is neutral and polar, at codon 288 of the KCTD17 protein (p.Arg288Gln). This variant is present in population databases (rs770794932, gnomAD 0.007%). This variant has not been reported in the literature in individuals affected with KCTD17-related conditions. ClinVar contains an entry for this variant (Variation ID: 652459). Algorithms developed to predict the effect of missense changes on protein structure and function output the following: SIFT: "Not Available"; PolyPhen-2: "Benign"; Align-GVGD: "Not Available". The glutamine amino acid residue is found in multiple mammalian species, which suggests that this missense change does not adversely affect protein function. In summary, the available evidence is currently insufficient to determine the role of this variant in disease. Therefore, it has been classified as a Variant of Uncertain Significance.

NM_001282684.2(KCTD17):c.842G>A (p.Arg281Gln)

Gene: KCTD17 (potassium channel tetramerization domain containing 17; plus strand). Cytogenetic location: 22q12.3.
Variant type: single nucleotide variant.
Coding change: c.842G>A on transcript NM_001282684.2 (MANE Select); coding-DNA position 842, G replaced by A.
Protein change: p.Arg281Gln; replaces arginine 281 with glutamine.
Molecular consequence: missense variant. On other transcripts: 3 prime UTR variant (1), intron variant (1).
Genome position (GRCh38, 1-based): chr22:37,061,596, G>A. VCF-style: chr22-37061596-G-A. GRCh37 (hg19) VCF-style: chr22-37457636-G-A.
Other names: c.*13G>A (NM_001282685.2); c.770G>A, p.Arg257Gln (NM_024681.4); c.613-929G>A (NM_001282686.2); short protein forms R288Q, R257Q, R281Q.
Identifiers: ClinVar variation 652459 (VCV000652459.9), dbSNP rs770794932, ClinGen allele CA10215164.